The following is an entry in ClinVar:

ClinVar aggregate classification (germline): Uncertain significance (1 of 4 stars; one submission).

Conditions:
SRCAP-related disorder. Also called: SRCAP-related condition.

gnomAD v4.1: 1 of 1,607,562 alleles (0.000062%); highest among the groups gnomAD compares: African/African-American, 0.0013%; no homozygotes.

Submission:

PreventionGenetics, part of Exact Sciences
Classification: Uncertain significance for SRCAP-related condition. Last evaluated: 2026-03-27. Review status: criteria provided, single submitter. Criteria: ACMG Guidelines, 2015. Collection method: clinical testing. Allele origin: germline.
Comment: The SRCAP c.3239G>A variant is predicted to result in the amino acid substitution p.Gly1080Asp. To our knowledge, this variant has not been reported in the literature. This variant is reported in 0.0062% of alleles in individuals of African descent in gnomAD. At this time, the clinical significance of this variant is uncertain due to the absence of conclusive functional and genetic evidence.

NM_006662.3(SRCAP):c.3239G>A (p.Gly1080Asp)

Gene: SRCAP (Snf2 related CREBBP activator protein; plus strand). Cytogenetic location: 16p11.2.
Variant type: single nucleotide variant.
Coding change: c.3239G>A on transcript NM_006662.3 (MANE Select); coding-DNA position 3239, G replaced by A.
Protein change: p.Gly1080Asp; replaces glycine 1080 with aspartic acid.
Molecular consequence: missense variant.
Genome position (GRCh38, 1-based): chr16:30,720,964, G>A. VCF-style: chr16-30720964-G-A. GRCh37 (hg19) VCF-style: chr16-30732285-G-A.
Other names: short protein forms G1080D.
Identifiers: ClinVar variation 4992710 (VCV004992710.1).